The following is an entry in ClinVar:

ClinVar aggregate classification (germline): Uncertain significance (1 of 4 stars; one submission).

Submission:

GeneDx
Classification: Uncertain significance. Last evaluated: 2018-03-06. Review status: criteria provided, single submitter. Criteria: GeneDx Variant Classification (06012015). Collection method: clinical testing. Allele origin: germline. Affected: yes.
Comment: The c.582_583dupTA variant in the HIST1H1E gene has not been reported previously as a pathogenic variant nor as a benign variant, to our knowledge. The c.582_583dupTA variant causes a frameshift starting with codon Lysine 195, changes this amino acid to an Isoleucine residue, and creates a premature Stop codon at position 35 of the new reading frame, denoted p.Lys195IlefsX35. This frameshift variant replaces the typical last 25 amino acid residues in the HIST1H1E protein with 34 different amino acid residues. This alteration may interfere with the proper formation and/or function of the HIST1H1E protein. The c.582_583dupTA variant is not observed in large population cohorts (Lek et al., 2016). We interpret c.582_583dupTA as a variant of uncertain significance.

NM_005321.3(H1-4):c.582_583dup (p.Lys195fs)

Gene: H1-4 (H1.4 linker histone, cluster member; plus strand). Cytogenetic location: 6p22.2.
Variant type: Duplication.
Coding change: c.582_583dup on transcript NM_005321.3 (MANE Select); coding-DNA positions 582 to 583, 2 bases duplicated (TA; older notation c.582_583dupTA).
Protein change: p.Lys195fs; shifts the reading frame from lysine 195.
Molecular consequence: frameshift variant.
Genome position (GRCh38, 1-based): chr6:26,156,972-26,156,973, TA duplicated. VCF-style (leftmost placement, unchanged base first): chr6-26156971-T-TTA. GRCh37 (hg19) VCF-style: chr6-26157199-T-TTA.
Other names: c.582_583dupTA (NM_005321.2); short protein forms K195fs.
Identifiers: ClinVar variation 504379 (VCV000504379.1), dbSNP rs1554162951, ClinGen allele CA658796728.
Genomic context (GRCh38, chr6:26,156,971, plus strand): 5'-AAAAGGCGAAAGCAGCCAAGCCAAAAAAGGCGCCCAAGAGCCCAGCGAAGGCCAAAGCAG[T>TTA]TAAACCCAAGGCGGCTAAACCAAAGACCGCCAAGCCCAAGGCAGCCAAGCCAAAGAAGGC-3'